The following is an entry in ClinVar:

ClinVar aggregate classification (germline): Conflicting classifications of pathogenicity. Review status: criteria provided, conflicting classifications (1 of 4 stars). 3 submissions from 3 submitters: Pathogenic (1); Likely pathogenic (1); Uncertain significance (1). Last evaluated 2026-03-14.

Conditions:
Neurodevelopmental disorder. Identifiers: MedGen C1535926, MeSH D065886, MONDO:0700092.

Submissions (3):

GeneDx
Classification: Pathogenic. Last evaluated: 2026-03-14. Review status: criteria provided, single submitter. Criteria: GeneDx Variant Classification Process June 2021. Collection method: clinical testing. Allele origin: germline.
Comment: Observed in hemizygous state in a patient with macrocephaly in published literature; additional clinical information was not included (PMID: 36703223); Nonsense variant predicted to result in protein truncation or nonsense mediated decay in a gene for which loss of function is a known mechanism of disease; Not observed at significant frequency in large population cohorts (gnomAD); This variant is associated with the following publications: (PMID: 37841849, 36703223, 41213919, 41751633)

Developmental Brain Disorders Lab, Seattle Children's Hospital
Classification: Likely pathogenic for Neurodevelopmental disorder. Last evaluated: 2025-05-01. Review status: criteria provided, single submitter. Criteria: ACMG Guidelines, 2015. Collection method: research. Allele origin: maternal. Affected: yes.
Comment: This variant is a nonsense variant in a gene where loss of function is a proposed mechanism of disease. It is absent in gnomAD v4.1.0. It meets ACMG variant classification criteria (PVS1, PM2) (PMID:25741868).

Dubai Health Genomic Medicine Center, Dubai Health
Classification: Uncertain significance. Last evaluated: 2022-12-17. Review status: criteria provided, single submitter. Criteria: ACMG Guidelines, 2015. Collection method: clinical testing. Allele origin: germline. Affected: yes.

NM_001282874.2(SMARCA1):c.916C>T (p.Arg306Ter)

Gene: SMARCA1 (SNF2 related chromatin remodeling ATPase 1; minus strand). Cytogenetic location: Xq26.1.
Variant type: single nucleotide variant.
Coding change: c.916C>T on transcript NM_001282874.2 (MANE Select); coding-DNA position 916, C replaced by T.
Protein change: p.Arg306Ter; replaces arginine 306 with a stop codon.
Molecular consequence: nonsense.
Genome position (GRCh38, 1-based): chrX:129,507,991, G>A on the plus strand (C>T on the coding strand, the complement: SMARCA1 is on the minus strand). VCF-style: chrX-129507991-G-A. GRCh37 (hg19) VCF-style: chrX-128641968-G-A.
Other names: c.916C>T, p.Arg306Ter (NM_001282875.2, NM_001378261.1, NM_001378262.1 and 3 more transcripts); c.916C>T (NM_003069.4, NM_003069.3); short protein forms R306*.
Identifiers: ClinVar variation 1809650 (VCV001809650.4), dbSNP rs1934884804, ClinGen allele CA414547913.